The following is an entry in ClinVar:

NM_001261.4(CDK9):c.189C>A (p.Ala63=)

Gene: CDK9 (cyclin dependent kinase 9; plus strand). Cytogenetic location: 9q34.11.
Variant type: single nucleotide variant.
Coding change: c.189C>A on transcript NM_001261.4 (MANE Select); coding-DNA position 189, C replaced by A.
Protein change: p.Ala63=; no amino-acid change (alanine 63 retained).
Molecular consequence: synonymous variant.
Genome position (GRCh38, 1-based): chr9:127,787,532, C>A. VCF-style: chr9-127787532-C-A. GRCh37 (hg19) VCF-style: chr9-130549811-C-A.
Identifiers: ClinVar variation 3050549 (VCV003050549.3), dbSNP rs34238383, ClinGen allele CA5251654.

ClinVar aggregate classification (germline): Likely benign. Review status: criteria provided, single submitter (1 of 4 stars). 2 submissions from 2 submitters: Likely benign (1). 1 of the submissions does not count toward it. Last evaluated 2024-11-21.

Conditions:
CDK9-related disorder. Also called: CDK9-related condition.

Allele frequency attached by ClinVar (database versions not stated): ESP Exome Variant Server 0.00261; ExAC 0.00283; 1000 Genomes Project 0.00339; 1000 Genomes Project 30x 0.00406.
gnomAD v4.1: 6,850 of 1,612,634 alleles (0.42%); highest among the groups gnomAD compares: Admixed American, 0.54%; 15 homozygotes.

Submissions (2):

Blueprint Genetics
Classification: Likely benign. Last evaluated: 2024-11-21. Review status: criteria provided, single submitter. Criteria: ACMG Guidelines, 2015. Collection method: clinical testing. Allele origin: germline.

PreventionGenetics, part of Exact Sciences
Classification: Benign for CDK9-related condition. Last evaluated: 2019-03-29. Review status: no assertion criteria provided. Collection method: clinical testing. Allele origin: germline. Not counted in ClinVar's aggregate classification.
Comment: This variant is classified as benign based on ACMG/AMP sequence variant interpretation guidelines (Richards et al. 2015 PMID: 25741868, with internal and published modifications).